The following is an entry in ClinVar:

NM_004168.4(SDHA):c.1058A>C (p.Glu353Ala)

Gene: SDHA (succinate dehydrogenase complex flavoprotein subunit A; plus strand). Cytogenetic location: 5p15.33.
Variant type: single nucleotide variant.
Coding change: c.1058A>C on transcript NM_004168.4 (MANE Select); coding-DNA position 1058, A replaced by C.
Protein change: p.Glu353Ala; replaces glutamic acid 353 with alanine.
Molecular consequence: missense variant.
Genome position (GRCh38, 1-based): chr5:233,639, A>C. VCF-style: chr5-233639-A-C. GRCh37 (hg19) VCF-style: chr5-233754-A-C.
Other names: c.914A>C, p.Glu305Ala (NM_001294332.2); c.1058A>C, p.Glu353Ala (NM_001330758.2); c.1058A>C (NM_004168.2); short protein forms E353A, E305A.
Identifiers: ClinVar variation 1498324 (VCV001498324.6), dbSNP rs2126578405, ClinGen allele CA359013012.

ClinVar aggregate classification (germline): Uncertain significance. Review status: criteria provided, multiple submitters, no conflicts (2 of 4 stars). 2 submissions from 2 submitters: Uncertain significance (2). Last evaluated 2026-02-13.

Conditions:
Mitochondrial complex II deficiency, nuclear type 1. Also called: SUCCINATE CoQ REDUCTASE DEFICIENCY. Identifiers: Orphanet 3208, MedGen C5700310, MONDO:0100294, OMIM 252011.
Pheochromocytoma/paraganglioma syndrome 5. Also called: Paragangliomas 5; SDHA-Related Hereditary Paraganglioma-Pheochromocytoma Syndrome. Identifiers: Orphanet 29072, MedGen C3279992, MONDO:0013602, OMIM 614165.
Hereditary cancer-predisposing syndrome. Also called: Neoplastic Syndromes, Hereditary; Hereditary Cancer Syndrome; Hereditary neoplastic syndrome; Tumor predisposition. Identifiers: Orphanet 140162, MedGen C0027672, MeSH D009386, MONDO:0015356.

Submissions (2):

Ambry Genetics
Classification: Uncertain significance for Hereditary cancer-predisposing syndrome. Last evaluated: 2026-02-13. Review status: criteria provided, single submitter. Criteria: Ambry Variant Classification Scheme 2023. Collection method: clinical testing. Allele origin: germline.
Comment: The p.E353A variant (also known as c.1058A>C), located in coding exon 8 of the SDHA gene, results from an A to C substitution at nucleotide position 1058. The glutamic acid at codon 353 is replaced by alanine, an amino acid with dissimilar properties. This amino acid position is conserved. In addition, the in silico prediction for this alteration is inconclusive. Based on the available evidence, the clinical significance of this variant remains unclear.

Labcorp Genetics (formerly Invitae), Labcorp
Classification: Uncertain significance for Pheochromocytoma/paraganglioma syndrome 5; Mitochondrial complex II deficiency, nuclear type 1. Last evaluated: 2021-09-01. Review status: criteria provided, single submitter. Criteria: Invitae Variant Classification Sherloc (09022015). Collection method: clinical testing. Allele origin: germline.
Comment: This sequence change replaces glutamic acid with alanine at codon 353 of the SDHA protein (p.Glu353Ala). The glutamic acid residue is highly conserved and there is a moderate physicochemical difference between glutamic acid and alanine. This variant is not present in population databases (ExAC no frequency). This variant has not been reported in the literature in individuals affected with SDHA-related conditions. Advanced modeling of protein sequence and biophysical properties (such as structural, functional, and spatial information, amino acid conservation, physicochemical variation, residue mobility, and thermodynamic stability) performed at Invitae indicates that this missense variant is not expected to disrupt SDHA protein function. In summary, the available evidence is currently insufficient to determine the role of this variant in disease. Therefore, it has been classified as a Variant of Uncertain Significance.